The following is an entry in ClinVar:

ClinVar aggregate classification (germline): Benign/Likely benign. Review status: criteria provided, single submitter (1 of 4 stars). 3 submissions from 1 submitter: Benign (2); Likely benign (1). Last evaluated 2018-01-13.

Conditions:
Metachondromatosis (METCDS). Identifiers: Orphanet 2499, MedGen C0410530, MONDO:0007979, OMIM 156250.
Noonan syndrome 1 (NS1). Also called: TURNER PHENOTYPE WITH NORMAL KARYOTYPE; PTPN11-Related Noonan Syndrome; FEMALE PSEUDO-TURNER SYNDROME. Identifiers: Orphanet 648, MedGen C4551602, MONDO:0008104, OMIM 163950. Disease mechanism: gain of function.
LEOPARD syndrome 1 (LPRD1). Also called: LENTIGINOSIS, CARDIOMYOPATHIC; MULTIPLE LENTIGINES SYNDROME; PTPN11-Related LEOPARD Syndrome. Identifiers: Orphanet 500, MedGen C4551484, MONDO:0100082, OMIM 151100.

Allele frequency attached by ClinVar (database versions not stated): TOPMed 0.00004; 1000 Genomes Project 30x 0.00297; 1000 Genomes Project 0.00300.

Submissions (3):

Illumina Laboratory Services, Illumina
Classification: Benign for Metachondromatosis. Last evaluated: 2018-01-13. Review status: criteria provided, single submitter. Criteria: ICSL Variant Classification Criteria 13 December 2019. Collection method: clinical testing. Allele origin: germline.
Comment: This variant was observed in the ICSL laboratory as part of a predisposition screen in an ostensibly healthy population. It had not been previously curated by ICSL or reported in the Human Gene Mutation Database (HGMD: prior to June 1st, 2018), and was therefore a candidate for classification through an automated scoring system. Utilizing variant allele frequency, disease prevalence and penetrance estimates, and inheritance mode, an automated score was calculated to assess if this variant is too frequent to cause the disease. Based on the score and internal cut-off values, a variant classified as benign is not then subjected to further curation. The score for this variant resulted in a classification of benign for this disease.

Illumina Laboratory Services, Illumina
Classification: Benign for LEOPARD syndrome 1. Last evaluated: 2018-01-13. Review status: criteria provided, single submitter. Criteria: ICSL Variant Classification Criteria 13 December 2019. Collection method: clinical testing. Allele origin: germline.
Comment: the same text as in the submission from Illumina Laboratory Services, Illumina above.

Illumina Laboratory Services, Illumina
Classification: Likely benign for Noonan syndrome 1. Last evaluated: 2018-01-13. Review status: criteria provided, single submitter. Criteria: ICSL Variant Classification Criteria 13 December 2019. Collection method: clinical testing. Allele origin: germline.
Comment: This variant was observed in the ICSL laboratory as part of a predisposition screen in an ostensibly healthy population. It had not been previously curated by ICSL or reported in the Human Gene Mutation Database (HGMD: prior to June 1st, 2018), and was therefore a candidate for classification through an automated scoring system. Utilizing variant allele frequency, disease prevalence and penetrance estimates, and inheritance mode, an automated score was calculated to assess if this variant is too frequent to cause the disease. Based on the score and internal cut-off values, a variant classified as likely benign is not then subjected to further curation. The score for this variant resulted in a classification of likely benign for this disease.

NM_002834.5(PTPN11):c.*1536T>C

Gene: PTPN11 (protein tyrosine phosphatase non-receptor type 11; plus strand). Cytogenetic location: 12q24.13.
Variant type: single nucleotide variant.
Coding change: c.*1536T>C on transcript NM_002834.5 (MANE Select); 1536 bases downstream of the stop codon, T replaced by C.
Molecular consequence: 3 prime UTR variant.
Genome position (GRCh38, 1-based): chr12:112,507,328, T>C. VCF-style: chr12-112507328-T-C. GRCh37 (hg19) VCF-style: chr12-112945132-T-C.
Other names: c.*1536T>C (NM_001330437.2, NM_001374625.1).
Identifiers: ClinVar variation 307245 (VCV000307245.5), dbSNP rs371375321, ClinGen allele CA10636520.
Genomic context (GRCh38, chr12:112,507,328, plus strand): 5'-CTGAATGATTTCTGCTAGCCCTGAGCCTATTTTTGGAACCAGCACTTGGGGAAACTGATC[T>C]TGTGAGGATGGATGTGTTTAGGGACACAGGGCTTTTGAGAGCAGCACCACCCCACTGGGG-3'